The following is an entry in ClinVar:

NM_001114134.2(EPB42):c.10+19C>T

Gene: EPB42 (erythrocyte membrane protein band 4.2; minus strand). Cytogenetic location: 15q15.2.
Variant type: single nucleotide variant.
Coding change: c.10+19C>T on transcript NM_001114134.2 (MANE Select); 19 bases into the intron after coding-DNA position 10, C replaced by T.
Molecular consequence: intron variant. On other transcripts: missense variant (1).
Genome position (GRCh38, 1-based): chr15:43,220,797, G>A on the plus strand (C>T on the coding strand, the complement: EPB42 is on the minus strand). VCF-style: chr15-43220797-G-A. GRCh37 (hg19) VCF-style: chr15-43512995-G-A.
Other names: c.29C>T, p.Ser10Leu (NM_000119.3); short protein forms S10L.
Identifiers: ClinVar variation 255152 (VCV000255152.29), dbSNP rs77809780, ClinGen allele CA7520737.

ClinVar aggregate classification (germline): Benign/Likely benign. Review status: criteria provided, multiple submitters, no conflicts (2 of 4 stars). 6 submissions from 6 submitters: Benign (4); Likely benign (2). Last evaluated 2026-01-28.

Conditions:
Hereditary spherocytosis type 5. Also called: EPB42-Related Spherocytosis; EPB42-Related Hereditary Spherocytosis. Identifiers: Orphanet 822, MedGen C2675192, MONDO:0012985, OMIM 612690.

Allele frequency attached by ClinVar (database versions not stated): gnomAD exomes 0.00971; ExAC 0.01112; gnomAD 0.02691 and 0.02853; ESP Exome Variant Server 0.02845; TOPMed 0.03084; 1000 Genomes Project 0.03395; 1000 Genomes Project 30x 0.03576.

Submissions (6):

Labcorp Genetics (formerly Invitae), Labcorp
Classification: Benign. Last evaluated: 2026-01-28. Review status: criteria provided, single submitter. Criteria: Invitae Variant Classification Sherloc (09022015). Collection method: clinical testing. Allele origin: germline.

ARUP Laboratories, Molecular Genetics and Genomics, ARUP Laboratories
Classification: Benign for Hereditary spherocytosis type 5. Last evaluated: 2025-07-25. Review status: criteria provided, single submitter. Criteria: ARUP Molecular Germline Variant Investigation Process 2024. Collection method: clinical testing. Allele origin: germline.

Mayo Clinic Laboratories, Mayo Clinic
Classification: Benign. Last evaluated: 2023-10-25. Review status: criteria provided, single submitter. Criteria: ACMG Guidelines, 2015. Collection method: clinical testing. Allele origin: germline. Observed: 97 variant alleles.
Comment: BA1, BP4_strong

Illumina Laboratory Services, Illumina
Classification: Likely benign for Hereditary spherocytosis type 5. Last evaluated: 2018-01-13. Review status: criteria provided, single submitter. Criteria: ICSL Variant Classification Criteria 13 December 2019. Collection method: clinical testing. Allele origin: germline.
Comment: This variant was observed in the ICSL laboratory as part of a predisposition screen in an ostensibly healthy population. It had not been previously curated by ICSL or reported in the Human Gene Mutation Database (HGMD: prior to June 1st, 2018), and was therefore a candidate for classification through an automated scoring system. Utilizing variant allele frequency, disease prevalence and penetrance estimates, and inheritance mode, an automated score was calculated to assess if this variant is too frequent to cause the disease. Based on the score and internal cut-off values, a variant classified as likely benign is not then subjected to further curation. The score for this variant resulted in a classification of likely benign for this disease.

Breakthrough Genomics
Classification: Likely benign. Review status: criteria provided, single submitter. Criteria: ACMG Guidelines, 2015. Collection method: not provided. Allele origin: germline. Inheritance: Unknown mechanism. Affected: yes.

PreventionGenetics, part of Exact Sciences
Classification: Benign. Review status: criteria provided, single submitter. Criteria: ACMG Guidelines, 2015. Collection method: clinical testing. Allele origin: germline.